The following is an entry in ClinVar:

NM_001372.4(DNAH9):c.5318G>A (p.Arg1773Gln)

Gene: DNAH9 (dynein axonemal heavy chain 9; plus strand). Cytogenetic location: 17p12.
Variant type: single nucleotide variant.
Coding change: c.5318G>A on transcript NM_001372.4 (MANE Select); coding-DNA position 5318, G replaced by A.
Protein change: p.Arg1773Gln; replaces arginine 1773 with glutamine.
Molecular consequence: missense variant.
Genome position (GRCh38, 1-based): chr17:11,704,369, G>A. VCF-style: chr17-11704369-G-A. GRCh37 (hg19) VCF-style: chr17-11607686-G-A.
Other names: short protein forms R1773Q.
Identifiers: ClinVar variation 2054373 (VCV002054373.2), dbSNP rs759673753, ClinGen allele CA8395968.
Genomic context (GRCh38, chr17:11,704,369, plus strand): 5'-AAGTGGCCCAGCTCAAAACCCTTATCACCATGCTGATTGGCCAGCTCTCCAAGGGAGACC[G>A]GCAGAAGATTATGACTATATGCACCATCGATGTGCATGCCCGGGATGTGGTAGCCAAGAT-3'
Protein context (NP_001363.2, residues 1763-1783): MLIGQLSKGD[Arg1773Gln]QKIMTICTID

ClinVar aggregate classification (germline): Uncertain significance (1 of 4 stars; one submission).

Allele frequency attached by ClinVar (database versions not stated): gnomAD exomes 0.00001; gnomAD 0.00003; TOPMed 0.00003; ExAC 0.00004.
gnomAD v4.1: 27 of 1,613,960 alleles (0.0017%); highest among the groups gnomAD compares: East Asian, 0.0089%; no homozygotes.

Submission:

Labcorp Genetics (formerly Invitae), Labcorp
Classification: Uncertain significance. Last evaluated: 2022-12-08. Review status: criteria provided, single submitter. Criteria: Invitae Variant Classification Sherloc (09022015). Collection method: clinical testing. Allele origin: germline.
Comment: In summary, the available evidence is currently insufficient to determine the role of this variant in disease. Therefore, it has been classified as a Variant of Uncertain Significance. Advanced modeling of protein sequence and biophysical properties (such as structural, functional, and spatial information, amino acid conservation, physicochemical variation, residue mobility, and thermodynamic stability) performed at Invitae indicates that this missense variant is not expected to disrupt DNAH9 protein function. This variant has not been reported in the literature in individuals affected with DNAH9-related conditions. This variant is present in population databases (rs759673753, gnomAD 0.02%). This sequence change replaces arginine, which is basic and polar, with glutamine, which is neutral and polar, at codon 1773 of the DNAH9 protein (p.Arg1773Gln).